The following is an entry in ClinVar:

NM_003108.4(SOX11):c.335A>G (p.Asp112Gly)

Gene: SOX11 (SRY-box transcription factor 11; plus strand). Cytogenetic location: 2p25.2.
Variant type: single nucleotide variant.
Coding change: c.335A>G on transcript NM_003108.4 (MANE Select); coding-DNA position 335, A replaced by G.
Protein change: p.Asp112Gly; replaces aspartic acid 112 with glycine.
Molecular consequence: missense variant.
Genome position (GRCh38, 1-based): chr2:5,693,056, A>G. VCF-style: chr2-5693056-A-G. GRCh37 (hg19) VCF-style: chr2-5833188-A-G.
Other names: short protein forms D112G.
Identifiers: ClinVar variation 4882367 (VCV004882367.2).

ClinVar aggregate classification (germline): Likely pathogenic (1 of 4 stars; one submission).

Conditions:
Intellectual developmental disorder with microcephaly and with or without ocular malformations or hypogonadotropic hypogonadism. Also called: Intellectual disability, autosomal dominant 27; Coffin-Siris Syndrome 9. Identifiers: Orphanet 1465, MedGen C4014528, MONDO:0014376, OMIM 615866.

Submission:

Dasa
Classification: Likely pathogenic for intellectual developmental disorder with microcephaly and with or without ocular malformations or hypogonadotropic hypogonadism. Last evaluated: 2025-11-26. Review status: criteria provided, single submitter. Criteria: DASA Assertion Criteria. Collection method: clinical testing. Allele origin: germline.
Comment: NM_003108.4(SOX11):c.335A>G (p.Asp112Gly) is a missense variant that results in the substitution of aspartic acid with glycine. This variant is absent from population databases. Computational evidence supports a deleterious effect. Based on the currently available evidence, this variant is classified as likely pathogenic.